The following is an entry in ClinVar:

NM_015346.4(ZFYVE26):c.1928_1930delinsT (p.Tyr643fs)

Gene: ZFYVE26 (zinc finger FYVE-type containing 26; minus strand). Cytogenetic location: 14q24.1.
Variant type: Indel.
Coding change: c.1928_1930delinsT on transcript NM_015346.4 (MANE Select); coding-DNA positions 1928 to 1930, ATA replaced by T.
Protein change: p.Tyr643fs; shifts the reading frame from tyrosine 643.
Molecular consequence: frameshift variant.
Genome position (GRCh38, 1-based): chr14:67,798,332-67,798,334, TAT replaced by A on the plus strand (ATA replaced by T on the coding strand, the reverse complement: ZFYVE26 is on the minus strand). VCF-style: chr14-67798332-TAT-A. GRCh37 (hg19) VCF-style: chr14-68265049-TAT-A.
Other names: short protein forms Y643fs.
Identifiers: ClinVar variation 1724108 (VCV001724108.2), dbSNP rs2502857212, ClinGen allele CA2580088622.

ClinVar aggregate classification (germline): Likely pathogenic (1 of 4 stars; one submission).

Conditions:
Hereditary spastic paraplegia 15 (SPG15). Also called: SPASTIC PARAPLEGIA 15, AUTOSOMAL RECESSIVE; KJELLIN SYNDROME; SPASTIC PARAPLEGIA AND RETINAL DEGENERATION. Identifiers: Orphanet 100996, MedGen C1849128, MONDO:0010044, OMIM 270700.

Submission:

Myriad Genetics, Inc.
Classification: Likely pathogenic for Hereditary spastic paraplegia 15. Last evaluated: 2022-01-25. Review status: criteria provided, single submitter. Criteria: Myriad Women's Health Autosomal Recessive and X-Linked Classification Criteria (2021). Collection method: clinical testing. Allele origin: unknown.
Comment: NM_015346.3(ZFYVE26):c.1928_1930delATAinsT(Y643Ffs*19) is expected to be pathogenic in the context of spastic paraplegia type 15. This variant is predicted to lead to an abnormal or absent protein product due to the creation of a premature termination codon in ZFYVE26, a gene where loss-of-function variants are known to be pathogenic. Please note: this variant was assessed in the context of healthy population screening.